The following is an entry in ClinVar:

ClinVar aggregate classification (germline): Pathogenic/Likely pathogenic. Review status: criteria provided, multiple submitters, no conflicts (2 of 4 stars). 2 submissions from 2 submitters: Pathogenic (1); Likely pathogenic (1). Last evaluated 2022-10-04.

Conditions:
Maple syrup urine disease (MSUD). Identifiers: Orphanet 511, MedGen C0024776, MeSH D008375, MONDO:0009563. Disease mechanism: loss of function.

Allele frequency attached by ClinVar (database versions not stated): gnomAD exomes below 0.00001.
gnomAD v4.1: 1 of 1,607,910 alleles (0.000062%); highest among the groups gnomAD compares: Non-Finnish European, 0.000085%; no homozygotes.

Submissions (2):

Labcorp Genetics (formerly Invitae), Labcorp
Classification: Pathogenic for Maple syrup urine disease. Last evaluated: 2022-10-04. Review status: criteria provided, single submitter. Criteria: Invitae Variant Classification Sherloc (09022015). Collection method: clinical testing. Allele origin: germline.
Comment: This variant is not present in population databases (gnomAD no frequency). For these reasons, this variant has been classified as Pathogenic. ClinVar contains an entry for this variant (Variation ID: 983850). This variant has not been reported in the literature in individuals affected with BCKDHB-related conditions. This sequence change creates a premature translational stop signal (p.Trp277*) in the BCKDHB gene. It is expected to result in an absent or disrupted protein product. Loss-of-function variants in BCKDHB are known to be pathogenic (PMID: 16786533, 22593002).

Myriad Genetics, Inc.
Classification: Likely pathogenic for Maple syrup urine disease type 1A. Last evaluated: 2019-01-16. Review status: criteria provided, single submitter. Criteria: Myriad Women's Health Autosomal Recessive and X-Linked Classification Criteria (2019). Collection method: clinical testing. Allele origin: unknown.
Comment: NM_183050.2(BCKDHB):c.830G>A(W277*) is expected to be pathogenic in the context of maple syrup urine disease type Ib. This variant is predicted to lead to an abnormal or absent protein product due to the creation of a premature termination codon in BCKDHB, a gene where loss-of-function variants are known to be pathogenic. Please note: this variant was assessed in the context of healthy population screening.

Literature cited by the submitters: PubMed 16786533 (cited by Labcorp Genetics (formerly Invitae), Labcorp); PubMed 22593002 (cited by Labcorp Genetics (formerly Invitae), Labcorp).

NM_183050.4(BCKDHB):c.830G>A (p.Trp277Ter)

Gene: BCKDHB (branched chain keto acid dehydrogenase E1 subunit beta; plus strand). Cytogenetic location: 6q14.1.
Variant type: single nucleotide variant.
Coding change: c.830G>A on transcript NM_183050.4 (MANE Select); coding-DNA position 830, G replaced by A.
Protein change: p.Trp277Ter; replaces tryptophan 277 with a stop codon.
Molecular consequence: nonsense. On other transcripts: non-coding transcript variant (1).
Genome position (GRCh38, 1-based): chr6:80,201,021, G>A. VCF-style: chr6-80201021-G-A. GRCh37 (hg19) VCF-style: chr6-80910738-G-A.
Other names: c.830G>A, p.Trp277Ter (NM_000056.5); c.620G>A, p.Trp207Ter (NM_001318975.1); short protein forms W207*, W277*.
Identifiers: ClinVar variation 983850 (VCV000983850.7), dbSNP rs1774369632, ClinGen allele CA364660064.
Genomic context (GRCh38, chr6:80,201,021, plus strand): 5'-ACATCCCACTGTCCCAGGCCGAAGTCATACAGGAAGGGAGTGATGTTACTCTAGTTGCCT[G>A]GGGCACTCAGGTGAGTAGCATTGATCCCAACTGTTAAAACCTACGTTGTGCTTGGAAGCT-3'